The following is an entry in ClinVar:

NM_004714.3(DYRK1B):c.1470T>G (p.Cys490Trp)

Gene: DYRK1B (dual specificity tyrosine phosphorylation regulated kinase 1B; minus strand). Cytogenetic location: 19q13.2.
Variant type: single nucleotide variant.
Coding change: c.1470T>G on transcript NM_004714.3 (MANE Select); coding-DNA position 1470, T replaced by G.
Protein change: p.Cys490Trp; replaces cysteine 490 with tryptophan.
Molecular consequence: missense variant.
Genome position (GRCh38, 1-based): chr19:39,826,228, A>C on the plus strand (T>G on the coding strand, the complement: DYRK1B is on the minus strand). VCF-style: chr19-39826228-A-C. GRCh37 (hg19) VCF-style: chr19-40316868-A-C.
Other names: c.1350T>G, p.Cys450Trp (NM_006483.3); c.1386T>G, p.Cys462Trp (NM_006484.3); short protein forms C490W, C462W, C450W.
Identifiers: ClinVar variation 4980540 (VCV004980540.1).

ClinVar aggregate classification (germline): Uncertain significance (1 of 4 stars; one submission).

Conditions:
DYRK1B-related disorder. Also called: DYRK1B-related condition.

Submission:

PreventionGenetics, part of Exact Sciences
Classification: Uncertain significance for DYRK1B-related condition. Last evaluated: 2026-03-11. Review status: criteria provided, single submitter. Criteria: ACMG Guidelines, 2015. Collection method: clinical testing. Allele origin: germline.
Comment: The DYRK1B c.1470T>G variant is predicted to result in the amino acid substitution p.Cys490Trp. To our knowledge, this variant has not been reported in the literature. This variant is reported in 0.0065% of alleles in individuals of European (Non-Finnish) descent in gnomAD. At this time, the clinical significance of this variant is uncertain due to the absence of conclusive functional and genetic evidence.